The following is an entry in ClinVar:

NM_002335.4(LRP5):c.171C>T (p.Ile57=)

Gene: LRP5 (LDL receptor related protein 5; plus strand). Cytogenetic location: 11q13.2.
Variant type: single nucleotide variant.
Coding change: c.171C>T on transcript NM_002335.4 (MANE Select); coding-DNA position 171, C replaced by T.
Protein change: p.Ile57=; no amino-acid change (isoleucine 57 retained).
Molecular consequence: synonymous variant. On other transcripts: 5 prime UTR variant (1).
Genome position (GRCh38, 1-based): chr11:68,347,926, C>T. VCF-style: chr11-68347926-C-T. GRCh37 (hg19) VCF-style: chr11-68115394-C-T.
Other names: c.-1595C>T (NM_001291902.2); c.171C>T (NM_002335.3).
Identifiers: ClinVar variation 1137788 (VCV001137788.12), dbSNP rs543962342, ClinGen allele CA6148927.

ClinVar aggregate classification (germline): Likely benign. Review status: criteria provided, multiple submitters, no conflicts (2 of 4 stars). 3 submissions from 3 submitters: Likely benign (2). 1 of the submissions does not count toward it. Last evaluated 2025-12-19.

Conditions:
LRP5-related disorder. Also called: LRP5-related condition.

Allele frequency attached by ClinVar (database versions not stated): TOPMed 0.00002; gnomAD 0.00003 and 0.00004; ExAC 0.00004; gnomAD exomes 0.00005.

Submissions (3):

Labcorp Genetics (formerly Invitae), Labcorp
Classification: Likely benign. Last evaluated: 2025-12-19. Review status: criteria provided, single submitter. Criteria: Invitae Variant Classification Sherloc (09022015). Collection method: clinical testing. Allele origin: germline.

Blueprint Genetics
Classification: Likely benign. Last evaluated: 2024-10-24. Review status: criteria provided, single submitter. Criteria: ACMG Guidelines, 2015. Collection method: clinical testing. Allele origin: germline.

PreventionGenetics, part of Exact Sciences
Classification: Likely benign for LRP5-related condition. Last evaluated: 2019-05-03. Review status: no assertion criteria provided. Collection method: clinical testing. Allele origin: germline. Not counted in ClinVar's aggregate classification.
Comment: This variant is classified as likely benign based on ACMG/AMP sequence variant interpretation guidelines (Richards et al. 2015 PMID: 25741868, with internal and published modifications).